The following is an entry in ClinVar:

ClinVar aggregate classification (germline): Likely benign. Review status: criteria provided, multiple submitters, no conflicts (2 of 4 stars). 2 submissions from 2 submitters: Likely benign (2). Last evaluated 2018-01-12.

Conditions:
Sclerosteosis 1 (SOST1). Also called: CORTICAL HYPEROSTOSIS WITH SYNDACTYLY. Identifiers: Orphanet 3152, MedGen C4551483, MONDO:0010016, OMIM 269500.

Allele frequency attached by ClinVar (database versions not stated): gnomAD exomes 0.00027 and 0.00064; ExAC 0.00082; 1000 Genomes Project 30x 0.00125; 1000 Genomes Project 0.00140; ESP Exome Variant Server 0.00269; gnomAD 0.00289 and 0.00319; TOPMed 0.00320.

Submissions (2):

Illumina Laboratory Services, Illumina
Classification: Likely benign for Sclerosteosis 1. Last evaluated: 2018-01-12. Review status: criteria provided, single submitter. Criteria: ICSL Variant Classification Criteria 13 December 2019. Collection method: clinical testing. Allele origin: germline.
Comment: This variant was observed in the ICSL laboratory as part of a predisposition screen in an ostensibly healthy population. It had not been previously curated by ICSL or reported in the Human Gene Mutation Database (HGMD: prior to June 1st, 2018), and was therefore a candidate for classification through an automated scoring system. Utilizing variant allele frequency, disease prevalence and penetrance estimates, and inheritance mode, an automated score was calculated to assess if this variant is too frequent to cause the disease. Based on the score and internal cut-off values, a variant classified as likely benign is not then subjected to further curation. The score for this variant resulted in a classification of likely benign for this disease.

Breakthrough Genomics
Classification: Likely benign. Review status: criteria provided, single submitter. Criteria: ACMG Guidelines, 2015. Collection method: not provided. Allele origin: germline. Inheritance: Autosomal recessive inheritance. Affected: yes.

NM_025237.3(SOST):c.-21T>G

Gene: SOST (sclerostin; minus strand). Cytogenetic location: 17q21.31.
Variant type: single nucleotide variant.
Coding change: c.-21T>G on transcript NM_025237.3 (MANE Select); 21 bases upstream of the start codon, T replaced by G.
Molecular consequence: 5 prime UTR variant.
Genome position (GRCh38, 1-based): chr17:43,758,762, A>C on the plus strand (T>G on the coding strand, the complement: SOST is on the minus strand). VCF-style: chr17-43758762-A-C. GRCh37 (hg19) VCF-style: chr17-41836130-A-C.
Identifiers: ClinVar variation 890597 (VCV000890597.5), dbSNP rs202008449, ClinGen allele CA8592911.